The following is an entry in ClinVar:

NM_004438.5(EPHA4):c.2627A>G (p.Asn876Ser)

Gene: EPHA4 (EPH receptor A4; minus strand). Cytogenetic location: 2q36.1.
Variant type: single nucleotide variant.
Coding change: c.2627A>G on transcript NM_004438.5 (MANE Select); coding-DNA position 2627, A replaced by G.
Protein change: p.Asn876Ser; replaces asparagine 876 with serine.
Molecular consequence: missense variant.
Genome position (GRCh38, 1-based): chr2:221,430,021, T>C on the plus strand (A>G on the coding strand, the complement: EPHA4 is on the minus strand). VCF-style: chr2-221430021-T-C. GRCh37 (hg19) VCF-style: chr2-222294741-T-C.
Other names: c.2627A>G, p.Asn876Ser (NM_001304536.2, NM_001363748.2); c.2474A>G, p.Asn825Ser (NM_001304537.2); short protein forms N876S, N825S.
Identifiers: ClinVar variation 4744943 (VCV004744943.1).

ClinVar aggregate classification (germline): Uncertain significance (1 of 4 stars; one submission).

Submission:

Labcorp Genetics (formerly Invitae), Labcorp
Classification: Uncertain significance. Last evaluated: 2025-12-03. Review status: criteria provided, single submitter. Criteria: Invitae Variant Classification Sherloc (09022015). Collection method: clinical testing. Allele origin: germline.
Comment: This sequence change replaces asparagine, which is neutral and polar, with serine, which is neutral and polar, at codon 876 of the EPHA4 protein (p.Asn876Ser). This variant is not present in population databases (gnomAD no frequency). This variant has not been reported in the literature in individuals affected with EPHA4-related conditions. Invitae Evidence Modeling of protein sequence and biophysical properties (such as structural, functional, and spatial information, amino acid conservation, physicochemical variation, residue mobility, and thermodynamic stability) indicates that this missense variant is not expected to disrupt EPHA4 protein function with a negative predictive value of 80%. In summary, the available evidence is currently insufficient to determine the role of this variant in disease. Therefore, it has been classified as a Variant of Uncertain Significance.